The following is an entry in ClinVar:

ClinVar aggregate classification (germline): Uncertain significance (1 of 4 stars; one submission).

Submission:

Labcorp Genetics (formerly Invitae), Labcorp
Classification: Uncertain significance. Last evaluated: 2024-08-28. Review status: criteria provided, single submitter. Criteria: Invitae Variant Classification Sherloc (09022015). Collection method: clinical testing. Allele origin: germline.
Comment: This sequence change replaces aspartic acid, which is acidic and polar, with glutamic acid, which is acidic and polar, at codon 88 of the ALPK3 protein (p.Asp88Glu). This variant is not present in population databases (gnomAD no frequency). This variant has not been reported in the literature in individuals affected with ALPK3-related conditions. An algorithm developed to predict the effect of missense changes on protein structure and function (PolyPhen-2) suggests that this variant is likely to be tolerated. In summary, the available evidence is currently insufficient to determine the role of this variant in disease. Therefore, it has been classified as a Variant of Uncertain Significance.

NC_000015.10:g.84817110C>G

Gene: ALPK3 (alpha kinase 3; plus strand). Cytogenetic location: 15q25.3.
Variant type: single nucleotide variant.
Genome position: GRCh38 VCF-style: chr15-84817110-C-G. GRCh37 (hg19) VCF-style: chr15-85360341-C-G.
Identifiers: ClinVar variation 3702349 (VCV003702349.2).